The following is an entry in ClinVar:

ClinVar aggregate classification (germline): Pathogenic (1 of 4 stars; one submission).

Submission:

GeneDx
Classification: Pathogenic. Last evaluated: 2025-05-06. Review status: criteria provided, single submitter. Criteria: GeneDx Variant Classification Process June 2021. Collection method: clinical testing. Allele origin: germline.
Comment: Not observed at significant frequency in large population cohorts (gnomAD); In silico analysis supports that this missense variant has a deleterious effect on protein structure/function; Has not been previously published as pathogenic or benign to our knowledge

NM_005402.4(RALA):c.128A>G (p.Tyr43Cys)

Gene: RALA (RAS like proto-oncogene A; plus strand). Cytogenetic location: 7p14.1.
Variant type: single nucleotide variant.
Coding change: c.128A>G on transcript NM_005402.4 (MANE Select); coding-DNA position 128, A replaced by G.
Protein change: p.Tyr43Cys; replaces tyrosine 43 with cysteine.
Molecular consequence: missense variant.
Genome position (GRCh38, 1-based): chr7:39,690,395, A>G. VCF-style: chr7-39690395-A-G. GRCh37 (hg19) VCF-style: chr7-39729994-A-G.
Other names: short protein forms Y43C.
Identifiers: ClinVar variation 3893366 (VCV003893366.2).
Genomic context (GRCh38, chr7:39,690,395, plus strand): 5'-TTTGAAACGTAATAATTAAAAAATTGGTGTGTTTTTATCTTTTCTAGTTTGTGGAGGACT[A>G]TGAGCCTACCAAAGCAGACAGCTATCGGAAGAAGGTAGTGCTAGATGGGGAGGAAGTCCA-3'
Protein context (NP_005393.2, residues 33-53): QFMYDEFVED[Tyr43Cys]EPTKADSYRK